The following is an entry in ClinVar:

ClinVar aggregate classification (germline): Pathogenic (1 of 4 stars; one submission).

Submission:

Labcorp Genetics (formerly Invitae), Labcorp
Classification: Pathogenic. Last evaluated: 2018-10-23. Review status: criteria provided, single submitter. Criteria: Invitae Variant Classification Sherloc (09022015). Collection method: clinical testing. Allele origin: germline.
Comment: For these reasons, this variant has been classified as Pathogenic. Loss-of-function variants in SMARCB1 are known to be pathogenic (PMID: 10521299, 21208904). Similar deletion of exon 1 has been observed in an individual with rhabdoid¬†tumor (PMID:¬†21108436). This variant is a gross deletion of the genomic region encompassing exon 1 of the SMARCB1 gene, which includes the initiator codon. The 5' end of this event is unknown as it extends beyond the assayed region for this gene and therefore may encompass additional genes. The 3' boundary is likely confined to intron 1 of the SMARCB1 gene. This is expected to result in an absent or disrupted protein product.

Literature cited by the submitters: PubMed 10521299; PubMed 21208904.

NC_000022.11:g.(?_23787160)_(23787272_?)del

Gene: SMARCB1 (SWI/SNF related BAF chromatin remodeling complex subunit B1; plus strand). Cytogenetic location: 22q11.23.
Variant type: Deletion.
Identifiers: ClinVar variation 664456 (VCV000664456.7).